The following is an entry in ClinVar:

ClinVar aggregate classification (germline): Conflicting classifications of pathogenicity. Review status: criteria provided, conflicting classifications (1 of 4 stars). 4 submissions from 4 submitters: Uncertain significance (3); Likely benign (1). Last evaluated 2025-08-10.

Conditions:
Autosomal dominant nonsyndromic hearing loss 17. Also called: Autosomal dominant nonsyndromic deafness 17; Deafness, autosomal dominant 17. Identifiers: Orphanet 90635, MedGen C1863659, MONDO:0011350, OMIM 603622.
Macrothrombocytopenia and granulocyte inclusions with or without nephritis or sensorineural hearing loss (MATINS). Also called: MAY-HEGGLIN ANOMALY; SEBASTIAN PLATELET SYNDROME; MACROTHROMBOCYTOPENIA WITH DISPERSED LEUKOCYTIC INCLUSIONS; MACROTHROMBOCYTOPENIA, NEPHRITIS, AND DEAFNESS; MACROTHROMBOCYTOPENIA, NEPHRITIS, DEAFNESS, AND LEUKOCYTE INCLUSIONS; ALPORT SYNDROME WITH MACROTHROMBOCYTOPENIA. Identifiers: Orphanet 182050, MedGen C5200934, MONDO:0015912, OMIM 155100.

Allele frequency attached by ClinVar (database versions not stated): ExAC 0.00001; gnomAD 0.00001; gnomAD exomes 0.00001 and 0.00002; TOPMed 0.00002.
gnomAD v4.1: 14 of 1,613,406 alleles (0.00087%); highest among the groups gnomAD compares: East Asian, 0.0067%; no homozygotes.

Submissions (4):

Labcorp Genetics (formerly Invitae), Labcorp
Classification: Likely benign. Last evaluated: 2025-08-10. Review status: criteria provided, single submitter. Criteria: Invitae Variant Classification Sherloc (09022015). Collection method: clinical testing. Allele origin: germline.

Fulgent Genetics
Classification: Uncertain significance for Macrothrombocytopenia and granulocyte inclusions with or without nephritis or sensorineural hearing loss; Autosomal dominant nonsyndromic hearing loss 17. Last evaluated: 2024-02-13. Review status: criteria provided, single submitter. Criteria: ACMG Guidelines, 2015. Collection method: clinical testing. Allele origin: germline.

GeneDx
Classification: Uncertain significance. Last evaluated: 2023-08-23. Review status: criteria provided, single submitter. Criteria: GeneDx Variant Classification Process June 2021. Collection method: clinical testing. Allele origin: germline. Affected: yes.
Comment: In silico analysis supports that this missense variant has a deleterious effect on protein structure/function; Identified in a patient with a neurodevelopmental disorder in published literature and reported as p.(R1504Q) using an alternate reference sequence (Wang et al., 2020); This variant is associated with the following publications: (PMID: 33004838)

Laboratory for Molecular Medicine, Mass General Brigham Personalized Medicine
Classification: Uncertain significance. Last evaluated: 2013-10-05. Review status: criteria provided, single submitter. Criteria: LMM Criteria. Collection method: clinical testing. Allele origin: germline. Observed: 1 variant allele.
Comment: The Arg1483Gln variant in MYH9 has not been reported in individuals with hearing loss or in large population studies. Computational analyses (biochemical amino acid properties, conservation, AlignGVGD, PolyPhen2, and SIFT) suggest that the Arg1483Gln variant may impact the protein, though this information is not predic tive enough to determine pathogenicity. In summary, additional data is needed to determine the clinical significance of this variant.

NM_002473.6(MYH9):c.4448G>A (p.Arg1483Gln)

Gene: MYH9 (myosin heavy chain 9; minus strand). Cytogenetic location: 22q12.3.
Variant type: single nucleotide variant.
Coding change: c.4448G>A on transcript NM_002473.6 (MANE Select); coding-DNA position 4448, G replaced by A.
Protein change: p.Arg1483Gln; replaces arginine 1483 with glutamine.
Molecular consequence: missense variant.
Genome position (GRCh38, 1-based): chr22:36,289,194, C>T on the plus strand (G>A on the coding strand, the complement: MYH9 is on the minus strand). VCF-style: chr22-36289194-C-T. GRCh37 (hg19) VCF-style: chr22-36685240-C-T.
Other names: short protein forms R1483Q.
Identifiers: ClinVar variation 164434 (VCV000164434.10), dbSNP rs727503285, ClinGen allele CA177084.